The following is an entry in ClinVar:

NM_001271.4(CHD2):c.2973G>A (p.Gln991=)

Genes: CHD2 (chromodomain helicase DNA binding protein 2; plus strand), LOC126862230 (P300/CBP strongly-dependent group 1 enhancer GRCh37_chr15:93523977-93525176; plus strand). Cytogenetic location: 15q26.1.
Variant type: single nucleotide variant.
Coding change: c.2973G>A on transcript NM_001271.4 (MANE Select); coding-DNA position 2973, G replaced by A.
Protein change: p.Gln991=; no amino-acid change (glutamine 991 retained).
Molecular consequence: synonymous variant.
Genome position (GRCh38, 1-based): chr15:92,980,911, G>A. VCF-style: chr15-92980911-G-A. GRCh37 (hg19) VCF-style: chr15-93524141-G-A.
Identifiers: ClinVar variation 522068 (VCV000522068.14), dbSNP rs903186613, ClinGen allele CA274856046.

ClinVar aggregate classification (germline): Uncertain significance. Review status: criteria provided, multiple submitters, no conflicts (2 of 4 stars). 3 submissions from 3 submitters: Uncertain significance (3). Last evaluated 2023-12-06.

Conditions:
Inborn genetic diseases. Identifiers: MedGen C0950123, MeSH D030342.
Developmental and epileptic encephalopathy 94 (DEE94). Also called: Epileptic encephalopathy, childhood-onset; CHD2-Related Neurodevelopmental Disorders. Identifiers: Orphanet 1942, Orphanet 2382, MedGen C3809278, MONDO:0014150, OMIM 615369.

Submissions (3):

Labcorp Genetics (formerly Invitae), Labcorp
Classification: Uncertain significance for Developmental and epileptic encephalopathy 94. Last evaluated: 2023-12-06. Review status: criteria provided, single submitter. Criteria: Invitae Variant Classification Sherloc (09022015). Collection method: clinical testing. Allele origin: germline.
Comment: This sequence change affects codon 991 of the CHD2 mRNA. It is a 'silent' change, meaning that it does not change the encoded amino acid sequence of the CHD2 protein. This variant also falls at the last nucleotide of exon 23, which is part of the consensus splice site for this exon. This variant is not present in population databases (gnomAD no frequency). This variant has been observed in individuals with clinical features of CHD2-related conditions (Invitae). ClinVar contains an entry for this variant (Variation ID: 522068). Variants that disrupt the consensus splice site are a relatively common cause of aberrant splicing (PMID: 17576681, 9536098). Algorithms developed to predict the effect of sequence changes on RNA splicing suggest that this variant may disrupt the consensus splice site. In summary, the available evidence is currently insufficient to determine the role of this variant in disease. Therefore, it has been classified as a Variant of Uncertain Significance.

Fulgent Genetics
Classification: Uncertain significance for Developmental and epileptic encephalopathy 94. Last evaluated: 2022-03-25. Review status: criteria provided, single submitter. Criteria: ACMG Guidelines, 2015. Collection method: clinical testing. Allele origin: unknown.

Ambry Genetics
Classification: Uncertain significance for Inborn genetic diseases. Last evaluated: 2017-11-01. Review status: criteria provided, single submitter. Criteria: Ambry exome assertion method (8-5-2015). Collection method: clinical testing. Allele origin: germline. Affected: yes. Observed: 1 variant allele.

Literature cited by the submitters: PubMed 17576681 (cited by Labcorp Genetics (formerly Invitae), Labcorp); PubMed 9536098 (cited by Labcorp Genetics (formerly Invitae), Labcorp).